The following is an entry in ClinVar:

NM_006231.4(POLE):c.44C>T (p.Ala15Val)

Genes: POLE (DNA polymerase epsilon, catalytic subunit; minus strand), LOC130009266 (ATAC-STARR-seq lymphoblastoid silent region 5123; plus strand). Cytogenetic location: 12q24.33.
Variant type: single nucleotide variant.
Coding change: c.44C>T on transcript NM_006231.4 (MANE Select); coding-DNA position 44, C replaced by T.
Protein change: p.Ala15Val; replaces alanine 15 with valine.
Molecular consequence: missense variant.
Genome position (GRCh38, 1-based): chr12:132,687,272, G>A on the plus strand (C>T on the coding strand, the complement: POLE is on the minus strand). VCF-style: chr12-132687272-G-A. GRCh37 (hg19) VCF-style: chr12-133263858-G-A.
Other names: c.44C>T (NM_006231.2); short protein forms A15V.
Identifiers: ClinVar variation 567211 (VCV000567211.14), dbSNP rs1565986587, ClinGen allele CA387373372.
Genomic context (GRCh38, chr12:132,687,272, plus strand): 5'-TCCGGAGGGCCGGCCCGAGAGCCTCAGGAGGGCGCCCCTCACCTGCTGGCCTCGCCATCC[G>A]CGCCTGGGTCCGCGCGCCGCCGCCCGCCGCTCCTCAGAGACATGGAGCCGTTGGCTACCA-3'
Protein context (NP_006222.2, residues 5-25): SGGRRRADPG[Ala15Val]DGEASRDDGA

ClinVar aggregate classification (germline): Conflicting classifications of pathogenicity. Review status: criteria provided, conflicting classifications (1 of 4 stars). 5 submissions from 5 submitters: Uncertain significance (4); Likely benign (1). Last evaluated 2026-01-22.

Conditions:
Colorectal cancer, susceptibility to, 12 (CRCS12). Also called: COLORECTAL CANCER, SUSCEPTIBILITY TO, ON CHROMOSOME 12q24. Identifiers: Orphanet 220460, MedGen C3554460, MONDO:0014038, OMIM 615083.
Facial dysmorphism-immunodeficiency-livedo-short stature syndrome. Also called: Facial dysmorphism, immunodeficiency, livedo, and short stature; FILS syndrome. Identifiers: Orphanet 352712, MedGen C3554576, MONDO:0014058, OMIM 615139.
Intrauterine growth retardation, metaphyseal dysplasia, adrenal hypoplasia congenita, genital anomalies, and immunodeficiency. Also called: IMAGEI SYNDROME. Identifiers: MedGen C5193036, MONDO:0032684, OMIM 618336.
Hereditary cancer-predisposing syndrome. Also called: Neoplastic Syndromes, Hereditary; Tumor predisposition; Hereditary neoplastic syndrome; Hereditary Cancer Syndrome. Identifiers: Orphanet 140162, MedGen C0027672, MeSH D009386, MONDO:0015356.

Allele frequency attached by ClinVar (database versions not stated): gnomAD 0.00001; TOPMed 0.00001.
gnomAD v4.1: 3 of 1,500,258 alleles (0.0002%); highest among the groups gnomAD compares: Admixed American, 0.0042%; no homozygotes.

Submissions (5):

Labcorp Genetics (formerly Invitae), Labcorp
Classification: Uncertain significance. Last evaluated: 2026-01-22. Review status: criteria provided, single submitter. Criteria: Invitae Variant Classification Sherloc (09022015). Collection method: clinical testing. Allele origin: germline.
Comment: This sequence change replaces alanine, which is neutral and non-polar, with valine, which is neutral and non-polar, at codon 15 of the POLE protein (p.Ala15Val). This variant is not present in population databases (gnomAD no frequency). This variant has not been reported in the literature in individuals affected with POLE-related conditions. ClinVar contains an entry for this variant (Variation ID: 567211). An algorithm developed to predict the effect of missense changes on protein structure and function (PolyPhen-2) suggests that this variant is likely to be tolerated. In summary, the available evidence is currently insufficient to determine the role of this variant in disease. Therefore, it has been classified as a Variant of Uncertain Significance.

Ambry Genetics
Classification: Uncertain significance for Hereditary cancer-predisposing syndrome. Last evaluated: 2025-11-16. Review status: criteria provided, single submitter. Criteria: Ambry Variant Classification Scheme 2023. Collection method: clinical testing. Allele origin: germline.
Comment: The p.A15V variant (also known as c.44C>T), located in coding exon 1 of the POLE gene, results from a C to T substitution at nucleotide position 44. The alanine at codon 15 is replaced by valine, an amino acid with similar properties. This amino acid position is conserved. In addition, this alteration is predicted to be tolerated by in silico analysis. Since supporting evidence is limited at this time, the clinical significance of this alteration remains unclear.

Center for Genomic Medicine, Rigshospitalet, Copenhagen University Hospital
Classification: Uncertain significance. Last evaluated: 2025-03-04. Review status: criteria provided, single submitter. Criteria: ACMG Guidelines, 2015. Collection method: clinical testing. Allele origin: germline.

Mendelics
Classification: Likely benign for Hereditary cancer-predisposing syndrome. Last evaluated: 2024-04-08. Review status: criteria provided, single submitter. Criteria: ACMG Guidelines, 2015. Collection method: clinical testing. Allele origin: unknown.

Fulgent Genetics
Classification: Uncertain significance for Colorectal cancer, susceptibility to, 12; Facial dysmorphism-immunodeficiency-livedo-short stature syndrome; Intrauterine growth retardation, metaphyseal dysplasia, adrenal hypoplasia congenita, genital anomalies, and immunodeficiency. Last evaluated: 2024-03-26. Review status: criteria provided, single submitter. Criteria: ACMG Guidelines, 2015. Collection method: clinical testing. Allele origin: germline.